The following is an entry in ClinVar:

NM_001378609.3(OTOGL):c.4199+9C>T

Gene: OTOGL (otogelin like; plus strand). Cytogenetic location: 12q21.31.
Variant type: single nucleotide variant.
Coding change: c.4199+9C>T on transcript NM_001378609.3 (MANE Select); 9 bases into the intron after coding-DNA position 4199, C replaced by T.
Molecular consequence: intron variant.
Genome position (GRCh38, 1-based): chr12:80,323,849, C>T. VCF-style: chr12-80323849-C-T. GRCh37 (hg19) VCF-style: chr12-80717629-C-T.
Other names: c.4064+9C>T (NM_001368062.3); c.4199+9C>T (NM_001378610.3, NM_173591.7).
Identifiers: ClinVar variation 3058053 (VCV003058053.5), dbSNP rs201742210, ClinGen allele CA240209735.

ClinVar aggregate classification (germline): Likely benign. Review status: criteria provided, multiple submitters, no conflicts (2 of 4 stars). 3 submissions from 3 submitters: Likely benign (2). 1 of the submissions does not count toward it. Last evaluated 2025-03-20.

Conditions:
OTOGL-related disorder. Also called: OTOGL-related condition.

Allele frequency attached by ClinVar (database versions not stated): gnomAD 0.00001; TOPMed 0.00002.

Submissions (3):

Labcorp Genetics (formerly Invitae), Labcorp
Classification: Likely benign. Last evaluated: 2025-03-20. Review status: criteria provided, single submitter. Criteria: Invitae Variant Classification Sherloc (09022015). Collection method: clinical testing. Allele origin: germline.

Blueprint Genetics
Classification: Likely benign. Last evaluated: 2024-06-06. Review status: criteria provided, single submitter. Criteria: ACMG Guidelines, 2015. Collection method: clinical testing. Allele origin: germline.

PreventionGenetics, part of Exact Sciences
Classification: Likely benign for OTOGL-related condition. Last evaluated: 2019-04-01. Review status: no assertion criteria provided. Collection method: clinical testing. Allele origin: germline. Not counted in ClinVar's aggregate classification.
Comment: This variant is classified as likely benign based on ACMG/AMP sequence variant interpretation guidelines (Richards et al. 2015 PMID: 25741868, with internal and published modifications).